The following is an entry in ClinVar:

NM_000168.6(GLI3):c.3965A>C (p.Tyr1322Ser)

Gene: GLI3 (GLI family zinc finger 3; minus strand). Cytogenetic location: 7p14.1.
Variant type: single nucleotide variant.
Coding change: c.3965A>C on transcript NM_000168.6 (MANE Select); coding-DNA position 3965, A replaced by C.
Protein change: p.Tyr1322Ser; replaces tyrosine 1322 with serine.
Molecular consequence: missense variant.
Genome position (GRCh38, 1-based): chr7:41,965,108, T>G on the plus strand (A>C on the coding strand, the complement: GLI3 is on the minus strand). VCF-style: chr7-41965108-T-G. GRCh37 (hg19) VCF-style: chr7-42004706-T-G.
Other names: short protein forms Y1322S.
Identifiers: ClinVar variation 1800600 (VCV001800600.1), dbSNP rs2484367660, ClinGen allele CA367316059.

ClinVar aggregate classification (germline): Uncertain significance (1 of 4 stars; one submission).

Submission:

GeneDx
Classification: Uncertain significance. Last evaluated: 2022-05-19. Review status: criteria provided, single submitter. Criteria: GeneDx Variant Classification Process June 2021. Collection method: clinical testing. Allele origin: germline. Affected: yes.
Comment: Not observed at significant frequency in large population cohorts (gnomAD); In silico analysis supports that this missense variant does not alter protein structure/function; Has not been previously published as pathogenic or benign to our knowledge